The following is an entry in ClinVar:

ClinVar aggregate classification (germline): Pathogenic. Review status: criteria provided, multiple submitters, no conflicts (2 of 4 stars). 2 submissions from 2 submitters: Pathogenic (2). Last evaluated 2024-01-16.

Conditions:
Retinitis pigmentosa 39 (RP39). Identifiers: Orphanet 791, MedGen C3151138, MONDO:0013436, OMIM 613809.

Submissions (2):

Baylor Genetics
Classification: Pathogenic for Retinitis pigmentosa 39. Last evaluated: 2024-01-16. Review status: criteria provided, single submitter. Criteria: ACMG Guidelines, 2015. Collection method: clinical testing. Allele origin: unknown.

GeneDx
Classification: Pathogenic. Last evaluated: 2018-05-31. Review status: criteria provided, single submitter. Criteria: GeneDx Variant Classification (06012015). Collection method: clinical testing. Allele origin: germline. Affected: yes.
Comment: The c.13587delC variant in the USH2A gene has not been reported previously as a pathogenic variant nor as a benign variant, to our knowledge. The c.13587delC variant causes a frameshift starting with codon Serine 4530, changes this amino acid to a Glutamine residue, and creates a premature Stop codon at position 20 of the new reading frame, denoted p.Ser4530GlnfsX20. This variant is predicted to cause loss of normal protein function either through protein truncation or nonsense-mediated mRNA decay. The c.13587delC variant is not observed in large population cohorts (Lek et al., 2016). We interpret c.13587delC as a pathogenic variant.

NM_206933.4(USH2A):c.13587del (p.Ser4530fs)

Gene: USH2A (usherin; minus strand). Cytogenetic location: 1q41.
Variant type: Deletion.
Coding change: c.13587del on transcript NM_206933.4 (MANE Select); coding-DNA position 13587, one base deleted (C; older notation c.13587delC).
Protein change: p.Ser4530fs; shifts the reading frame from serine 4530.
Molecular consequence: frameshift variant.
Genome position (GRCh38, 1-based): chr1:215,674,324, G deleted on the plus strand (C on the coding strand, the reverse complement: USH2A is on the minus strand); the first of 4 consecutive G bases (chr1:215,674,324-215,674,327); deleting any one gives the same sequence. VCF-style (leftmost placement, unchanged base first): chr1-215674323-AG-A. GRCh37 (hg19) VCF-style: chr1-215847665-AG-A.
Other names: short protein forms S4530fs.
Identifiers: ClinVar variation 817690 (VCV000817690.2), dbSNP rs1571948114, ClinGen allele CA915942027.